The following is an entry in ClinVar:

ClinVar aggregate classification (germline): Uncertain significance (1 of 4 stars; one submission).

Conditions:
Inborn genetic diseases. Identifiers: MedGen C0950123, MeSH D030342.

Submission:

Ambry Genetics
Classification: Uncertain significance for Inborn genetic diseases. Last evaluated: 2024-04-29. Review status: criteria provided, single submitter. Criteria: Ambry Variant Classification Scheme 2023. Collection method: clinical testing. Allele origin: germline.
Comment: The c.898A>G (p.I300V) alteration is located in exon 2 (coding exon 1) of the NACC1 gene. This alteration results from a A to G substitution at nucleotide position 898, causing the isoleucine (I) at amino acid position 300 to be replaced by a valine (V). This variant was not reported in population-based cohorts in the Genome Aggregation Database (gnomAD). This amino acid position is well conserved in available vertebrate species. This alteration is predicted to be tolerated by in silico analysis. Based on insufficient or conflicting evidence, the clinical significance of this alteration remains unclear.

NM_052876.4(NACC1):c.898A>G (p.Ile300Val)

Gene: NACC1 (nucleus accumbens associated 1; plus strand). Cytogenetic location: 19p13.13.
Variant type: single nucleotide variant.
Coding change: c.898A>G on transcript NM_052876.4 (MANE Select); coding-DNA position 898, A replaced by G.
Protein change: p.Ile300Val; replaces isoleucine 300 with valine.
Molecular consequence: missense variant.
Genome position (GRCh38, 1-based): chr19:13,136,105, A>G. VCF-style: chr19-13136105-A-G. GRCh37 (hg19) VCF-style: chr19-13246919-A-G.
Other names: short protein forms I300V.
Identifiers: ClinVar variation 3298361 (VCV003298361.1).